The following is an entry in ClinVar:

NM_003072.5(SMARCA4):c.462G>A (p.Leu154=)

Gene: SMARCA4 (SWI/SNF related BAF chromatin remodeling complex subunit ATPase 4; plus strand). Cytogenetic location: 19p13.2.
Variant type: single nucleotide variant.
Coding change: c.462G>A on transcript NM_003072.5 (MANE Select); coding-DNA position 462, G replaced by A.
Protein change: p.Leu154=; no amino-acid change (leucine 154 retained).
Molecular consequence: synonymous variant. On other transcripts: non-coding transcript variant (1).
Genome position (GRCh38, 1-based): chr19:10,986,295, G>A. VCF-style: chr19-10986295-G-A. GRCh37 (hg19) VCF-style: chr19-11096971-G-A.
Other names: c.462G>A, p.Leu154= (NM_001374457.1, NM_001387283.1, NM_001411150.1 and 6 more transcripts).
Identifiers: ClinVar variation 2649308 (VCV002649308.27), dbSNP rs2513994692, ClinGen allele CA505743862.

ClinVar aggregate classification (germline): Likely benign. Review status: criteria provided, multiple submitters, no conflicts (2 of 4 stars). 2 submissions from 2 submitters: Likely benign (2). Last evaluated 2024-01-16.

Conditions:
Rhabdoid tumor predisposition syndrome 2 (RTPS2). Identifiers: Orphanet 231108, Orphanet 69077, MedGen C2750074, MONDO:0013224, OMIM 613325.

Submissions (2):

Labcorp Genetics (formerly Invitae), Labcorp
Classification: Likely benign for Rhabdoid tumor predisposition syndrome 2. Last evaluated: 2024-01-16. Review status: criteria provided, single submitter. Criteria: Invitae Variant Classification Sherloc (09022015). Collection method: clinical testing. Allele origin: germline.

CeGaT Center for Human Genetics Tuebingen
Classification: Likely benign. Last evaluated: 2023-08-01. Review status: criteria provided, single submitter. Criteria: CeGaT Center For Human Genetics Tuebingen Variant Classification Criteria Version 2. Collection method: clinical testing. Allele origin: germline. Affected: yes. Observed: 1 variant allele.
Comment: SMARCA4: PM2:Supporting, BP4, BP7